The following is an entry in ClinVar:

ClinVar aggregate classification (germline): Uncertain significance (3 of 4 stars; one submission).

Conditions:
Noonan syndrome and Noonan-related syndrome. Identifiers: Orphanet 98733, MedGen C5681679, MONDO:0020297.

Submission:

ClinGen RASopathy Variant Curation Expert Panel
Classification: Uncertain significance for Noonan syndrome and Noonan-related syndrome. Last evaluated: 2019-02-28. Review status: reviewed by expert panel. Criteria: ClinGen RASopathy ACMG Specifications v1. Collection method: curation. Allele origin: germline. Inheritance: Autosomal dominant inheritance.
Comment: The c.1867_1869delinsGAA p.Phe623Glu variant in SOS1 has not been reported in patients with clinical features of a RASopathy to date. In vitro functional studies provide some evidence that the p.Phe623Glu variant may impact protein function, however this assay has not been defined by the ClinGen RASopathy Expert panel as criteria for PS3 (PS3 not met; PMID: 11333268). This variant was absent from large population studies (PM2; gnomAD). Of note, 2 different pathogenic missense variants have been previously reported at this codon of SOS1 (p.Phe623Val and p.Phe623Ile) which may indicate that this residue is critical to the function of the protein, however these variants have not yet met the criteria to be classified as pathogenic (PM5 not met). The variant is located in the SOS1 gene, which has been defined by the ClinGen RASopathy Expert Panel as a gene with a low rate of benign missense variants and pathogenic missense variants are common (PP2; PMID: 29493581). In summary, the clinical significance of the p.Phe623Glu variant is uncertain. RASopathy-specific ACMG/AMP criteria applied (PMID:29493581): PM2, PP2

NM_005633.4(SOS1):c.1867_1869delinsGAA (p.Phe623Glu)

Gene: SOS1 (SOS Ras/Rac guanine nucleotide exchange factor 1; minus strand). Cytogenetic location: 2p22.1.
Variant type: Indel.
Coding change: c.1867_1869delinsGAA on transcript NM_005633.4 (MANE Select); coding-DNA positions 1867 to 1869, TTT replaced by GAA.
Protein change: p.Phe623Glu; replaces phenylalanine 623 with glutamic acid.
Molecular consequence: missense variant.
Genome position (GRCh38, 1-based): chr2:39,014,836-39,014,838, AAA replaced by TTC on the plus strand (TTT replaced by GAA on the coding strand, the reverse complement: SOS1 is on the minus strand). VCF-style: chr2-39014836-AAA-TTC. GRCh37 (hg19) VCF-style: chr2-39241977-AAA-TTC.
Other names: c.1846_1848delinsGAA, p.Phe616Glu (NM_001382394.1); c.1867_1869delinsGAA, p.Phe623Glu (NM_001382395.1); short protein forms F623E, F616E.
Identifiers: ClinVar variation 636263 (VCV000636263.1), dbSNP rs1572823606, ClinGen allele CA891862608.
Genomic context (GRCh38, chr2:39,014,836, plus strand): 5'-AAGACTCAGTAGTTCTTGAGGTTTGCAAAAGGATCTGTATGTTGTAAGAAATGTCCGAAC[AAA>TTC]ATTGGGATCTAAGAAGAAAAAGGAAAAATATCTTATTAAACTCTATGATTCAAAATGATT-3'
Protein context (NP_005624.2, residues 613-633): LTYHMYADPN[Phe623Glu]VRTFLTTYRS